The following is an entry in ClinVar:

ClinVar aggregate classification (germline): Uncertain significance (1 of 4 stars; one submission).

gnomAD v4.1: 11 of 1,613,732 alleles (0.00068%); highest among the groups gnomAD compares: Admixed American, 0.005%; no homozygotes.

Submission:

Labcorp Genetics (formerly Invitae), Labcorp
Classification: Uncertain significance. Last evaluated: 2024-06-24. Review status: criteria provided, single submitter. Criteria: Invitae Variant Classification Sherloc (09022015). Collection method: clinical testing. Allele origin: germline.
Comment: This sequence change replaces glycine, which is neutral and non-polar, with glutamic acid, which is acidic and polar, at codon 142 of the COL10A1 protein (p.Gly142Glu). This variant is present in population databases (rs763819850, gnomAD 0.009%). This variant has not been reported in the literature in individuals affected with COL10A1-related conditions. Advanced modeling of protein sequence and biophysical properties (such as structural, functional, and spatial information, amino acid conservation, physicochemical variation, residue mobility, and thermodynamic stability) performed at Invitae indicates that this missense variant is expected to disrupt COL10A1 protein function with a positive predictive value of 80%. In summary, the available evidence is currently insufficient to determine the role of this variant in disease. Therefore, it has been classified as a Variant of Uncertain Significance.

NM_000493.4(COL10A1):c.425G>A (p.Gly142Glu)

Genes: COL10A1 (collagen type X alpha 1 chain; minus strand), NT5DC1 (5'-nucleotidase domain containing 1; plus strand). Cytogenetic location: 6q22.1.
Variant type: single nucleotide variant.
Coding change: c.425G>A on transcript NM_000493.4 (MANE Select); coding-DNA position 425, G replaced by A.
Protein change: p.Gly142Glu; replaces glycine 142 with glutamic acid.
Molecular consequence: missense variant. On other transcripts: intron variant (1).
Genome position (GRCh38, 1-based): chr6:116,121,691, C>T on the plus strand (G>A on the coding strand, the complement: COL10A1 is on the minus strand). VCF-style: chr6-116121691-C-T. GRCh37 (hg19) VCF-style: chr6-116442854-C-T.
Other names: c.529+3746C>T (NM_152729.3); c.425G>A, p.Gly142Glu (NM_001424106.1, NM_001424107.1); short protein forms G142E.
Identifiers: ClinVar variation 3673742 (VCV003673742.2).